The following is an entry in ClinVar:

ClinVar aggregate classification (germline): Uncertain significance. Review status: reviewed by expert panel (3 of 4 stars). 3 submissions from 3 submitters: Uncertain significance (1). 2 of the submissions do not count toward it. Last evaluated 2024-07-11.

Conditions:
Inborn genetic diseases. Identifiers: MedGen C0950123, MeSH D030342.
Hereditary thrombocytopenia and hematological cancer predisposition syndrome associated with RUNX1. Also called: PLATELET DISORDER, ASPIRIN-LIKE; RUNX1 Familial Platelet Disorder with Associated Myeloid Malignancies; Familial Platelet Disorder with Propensity to Acute Myelogenous Leukemia; Familial thrombocytopenia with propensity to acute myelogenous leukemia. Identifiers: Orphanet 71290, MedGen C1832388, MeSH C563324, MONDO:0100083, OMIM 601399.
Hereditary thrombocytopenia and hematologic cancer predisposition syndrome. Identifiers: Orphanet 71290, MedGen CN281654, MONDO:0011071.

Allele frequency attached by ClinVar (database versions not stated): gnomAD exomes below 0.00001.
gnomAD v4.1: 2 of 1,605,398 alleles (0.00012%); highest among the groups gnomAD compares: Non-Finnish European, 0.00017%; no homozygotes.

Submissions (3):

ClinGen Myeloid Malignancy Variant Curation Expert Panel
Classification: Uncertain significance for Hereditary thrombocytopenia and hematologic cancer predisposition syndrome. Last evaluated: 2024-07-11. Review status: reviewed by expert panel. Criteria: ClinGen MyeloMalig ACMG Specifications v2. Collection method: curation. Allele origin: germline. Inheritance: Autosomal dominant inheritance.
Comment: The NM_001754.5(RUNX1): c.1008C>G (p.Phe336Leu) is a missense variant which has a minor allele frequency (MAF) of 0.000001805 (0.0001805%, 2/1108180 alleles) in the European (non-Finnish) population of gnomAD v4 (PM2_supporting not met). It has been reported in one proband meeting at least one of the RUNX1-phenotypic criteria (Thrombocytopenia/impaired platelet aggregation) (PS4_supporting). The REVEL score for this missense variant is 0.62, indicating a conflicting interpretation of pathogenicity. In summary, this variant meets the criteria to be classified as a variant of uncertain significance for autosomal dominant hereditary thrombocytopenia and hematologic cancer predisposition syndrome based on the ACMG/AMP criteria applied, as specified by the ClinGen Myeloid Malignancy Variant Curation Expert Panel for RUNX1: PS4_supporting.

Ambry Genetics
Classification: Uncertain significance for Inborn genetic diseases. Last evaluated: 2026-01-09. Review status: criteria provided, single submitter. Criteria: Ambry Variant Classification Scheme 2023. Collection method: clinical testing. Allele origin: germline. Not counted in ClinVar's aggregate classification.
Comment: The p.F336L variant (also known as c.1008C>G), located in coding exon 8 of the RUNX1 gene, results from a C to G substitution at nucleotide position 1008. The phenylalanine at codon 336 is replaced by leucine, an amino acid with highly similar properties. This amino acid position is conserved. In addition, the in silico prediction for this alteration is inconclusive. Based on the available evidence, the clinical significance of this variant remains unclear.

ISTH-SSC Genomics in Thrombosis and Hemostasis, KU Leuven, Center for Molecular and Vascular Biology
Classification: Uncertain significance for Hereditary thrombocytopenia and hematological cancer predisposition syndrome associated with RUNX1. Review status: criteria provided, single submitter. Criteria: ACMG Guidelines, 2015. Collection method: clinical testing. Allele origin: germline. Affected: yes. Observed: 1 heterozygote. Not counted in ClinVar's aggregate classification.
Comment: Submitted to GoldVariant by Kathleen Freson, Center for Molecular and Vascular Biology, Leuven, Belgium

NM_001754.5(RUNX1):c.1008C>G (p.Phe336Leu)

Gene: RUNX1 (RUNX family transcription factor 1; minus strand). Cytogenetic location: 21q22.12.
Variant type: single nucleotide variant.
Coding change: c.1008C>G on transcript NM_001754.5 (MANE Select); coding-DNA position 1008, C replaced by G.
Protein change: p.Phe336Leu; replaces phenylalanine 336 with leucine.
Molecular consequence: missense variant.
Genome position (GRCh38, 1-based): chr21:34,792,570, G>C on the plus strand (C>G on the coding strand, the complement: RUNX1 is on the minus strand). VCF-style: chr21-34792570-G-C. GRCh37 (hg19) VCF-style: chr21-36164867-G-C.
Other names: NM_001754.5(RUNX1):c.1008C>G; p.Phe336Leu; c.927C>G, p.Phe309Leu (NM_001001890.3); short protein forms F309L, F336L.
Identifiers: ClinVar variation 1703791 (VCV001703791.3), dbSNP rs969459005, ClinGen allele CA320251605.
Genomic context (GRCh38, chr21:34,792,570, plus strand): 5'-GGAGTAGGTGAAGGCGCCTGGATAGTGCATGCGGGGGTCGGAGATGGAGGGCAGCGCGGG[G>C]AACTGGCGCGGGTCGCTGAACGCTGTCAGGTCGGGTGCCGCTGCAGGGCGGGCAAGAGAA-3'
Protein context (NP_001745.2, residues 326-346): DLTAFSDPRQ[Phe336Leu]PALPSISDPR